The following is an entry in ClinVar:

NM_001853.4(COL9A3):c.562A>G (p.Met188Val)

Gene: COL9A3 (collagen type IX alpha 3 chain; plus strand). Cytogenetic location: 20q13.33.
Variant type: single nucleotide variant.
Coding change: c.562A>G on transcript NM_001853.4 (MANE Select); coding-DNA position 562, A replaced by G.
Protein change: p.Met188Val; replaces methionine 188 with valine.
Molecular consequence: missense variant.
Genome position (GRCh38, 1-based): chr20:62,824,487, A>G. VCF-style: chr20-62824487-A-G. GRCh37 (hg19) VCF-style: chr20-61455839-A-G.
Other names: short protein forms M188V.
Identifiers: ClinVar variation 1941360 (VCV001941360.5), dbSNP rs2516037523, ClinGen allele CA409590700.

ClinVar aggregate classification (germline): Uncertain significance (1 of 4 stars; one submission).

Submission:

Labcorp Genetics (formerly Invitae), Labcorp
Classification: Uncertain significance. Last evaluated: 2022-04-06. Review status: criteria provided, single submitter. Criteria: Invitae Variant Classification Sherloc (09022015). Collection method: clinical testing. Allele origin: germline.
Comment: In summary, the available evidence is currently insufficient to determine the role of this variant in disease. Therefore, it has been classified as a Variant of Uncertain Significance. Advanced modeling of protein sequence and biophysical properties (such as structural, functional, and spatial information, amino acid conservation, physicochemical variation, residue mobility, and thermodynamic stability) performed at Invitae indicates that this missense variant is not expected to disrupt COL9A3 protein function. This variant has not been reported in the literature in individuals affected with COL9A3-related conditions. This variant is not present in population databases (gnomAD no frequency). This sequence change replaces methionine, which is neutral and non-polar, with valine, which is neutral and non-polar, at codon 188 of the COL9A3 protein (p.Met188Val).